The following is an entry in ClinVar:

NM_020937.4(FANCM):c.4493C>G (p.Pro1498Arg)

Gene: FANCM (FA complementation group M; plus strand). Cytogenetic location: 14q21.2.
Variant type: single nucleotide variant.
Coding change: c.4493C>G on transcript NM_020937.4 (MANE Select); coding-DNA position 4493, C replaced by G.
Protein change: p.Pro1498Arg; replaces proline 1498 with arginine.
Molecular consequence: missense variant.
Genome position (GRCh38, 1-based): chr14:45,183,880, C>G. VCF-style: chr14-45183880-C-G. GRCh37 (hg19) VCF-style: chr14-45653083-C-G.
Other names: c.4415C>G, p.Pro1472Arg (NM_001308133.2); short protein forms P1472R, P1498R.
Identifiers: ClinVar variation 2777516 (VCV002777516.4), dbSNP rs2503222671, ClinGen allele CA389607809.
Genomic context (GRCh38, chr14:45,183,880, plus strand): 5'-GTTCACAATTAGAAGACTTCAAGGTTTGTAACGGGAATGCCAGAAGAGGCATCAAAGTCC[C>G]AAAGAGACAGAGTCACTTAAAGGTAATCTTTTTTTTAGTTTCTTTAAATATGTATGCATT-3'
Protein context (NP_065988.1, residues 1488-1508): NGNARRGIKV[Pro1498Arg]KRQSHLKHVA

ClinVar aggregate classification (germline): Conflicting classifications of pathogenicity. Review status: criteria provided, conflicting classifications (1 of 4 stars). 2 submissions from 2 submitters: Uncertain significance (1); Likely benign (1). Last evaluated 2024-11-25.

Conditions:
Fanconi anemia (FA). Also called: Fanconi's anemia. Identifiers: Orphanet 84, MedGen C0015625, MeSH D005199, MONDO:0019391.
Inborn genetic diseases. Identifiers: MedGen C0950123, MeSH D030342.

Submissions (2):

Ambry Genetics
Classification: Likely benign for Inborn genetic diseases. Last evaluated: 2024-11-25. Review status: criteria provided, single submitter. Criteria: Ambry Variant Classification Scheme 2023. Collection method: clinical testing. Allele origin: germline.

Labcorp Genetics (formerly Invitae), Labcorp
Classification: Uncertain significance for Fanconi anemia. Last evaluated: 2022-11-29. Review status: criteria provided, single submitter. Criteria: Invitae Variant Classification Sherloc (09022015). Collection method: clinical testing. Allele origin: germline.
Comment: This variant has not been reported in the literature in individuals affected with FANCM-related conditions. This variant is not present in population databases (gnomAD no frequency). This sequence change replaces proline, which is neutral and non-polar, with arginine, which is basic and polar, at codon 1498 of the FANCM protein (p.Pro1498Arg). In summary, the available evidence is currently insufficient to determine the role of this variant in disease. Therefore, it has been classified as a Variant of Uncertain Significance. Algorithms developed to predict the effect of missense changes on protein structure and function output the following: SIFT: "Tolerated"; PolyPhen-2: "Benign"; Align-GVGD: "Class C0". The arginine amino acid residue is found in multiple mammalian species, which suggests that this missense change does not adversely affect protein function.